The following is an entry in ClinVar:

NM_153033.5(KCTD7):c.623A>G (p.Asn208Ser)

Gene: KCTD7 (potassium channel tetramerization domain containing 7; plus strand). Cytogenetic location: 7q11.21.
Variant type: single nucleotide variant.
Coding change: c.623A>G on transcript NM_153033.5 (MANE Select); coding-DNA position 623, A replaced by G.
Protein change: p.Asn208Ser; replaces asparagine 208 with serine.
Molecular consequence: missense variant.
Genome position (GRCh38, 1-based): chr7:66,638,985, A>G. VCF-style: chr7-66638985-A-G. GRCh37 (hg19) VCF-style: chr7-66103972-A-G.
Other names: c.623A>G, p.Asn208Ser (NM_001167961.2); short protein forms N208S.
Identifiers: ClinVar variation 970566 (VCV000970566.10), dbSNP rs762356641, ClinGen allele CA4278307.

ClinVar aggregate classification (germline): Uncertain significance (1 of 4 stars; one submission).

Conditions:
Progressive myoclonic epilepsy type 3. Also called: KCTD7-Related Progressive Myoclonic Epilepsy; EPILEPSY, PROGRESSIVE MYOCLONIC, 3, WITHOUT INTRACELLULAR INCLUSIONS; EPILEPSY, PROGRESSIVE MYOCLONIC, 3, WITH OR WITHOUT INTRACELLULAR INCLUSIONS; CEROID LIPOFUSCINOSIS, NEURONAL, 14. Identifiers: Orphanet 263516, MedGen C2673257, MONDO:0012721, OMIM 611726.

Allele frequency attached by ClinVar (database versions not stated): gnomAD 0.00001; gnomAD exomes 0.00001; ExAC 0.00002; TOPMed 0.00002.
gnomAD v4.1: 12 of 1,613,774 alleles (0.00074%); highest among the groups gnomAD compares: Non-Finnish European, 0.001%; no homozygotes.

Submission:

Labcorp Genetics (formerly Invitae), Labcorp
Classification: Uncertain significance for Progressive myoclonic epilepsy type 3. Last evaluated: 2021-04-15. Review status: criteria provided, single submitter. Criteria: Invitae Variant Classification Sherloc (09022015). Collection method: clinical testing. Allele origin: germline.
Comment: In summary, the available evidence is currently insufficient to determine the role of this variant in disease. Therefore, it has been classified as a Variant of Uncertain Significance. Algorithms developed to predict the effect of sequence changes on RNA splicing suggest that this variant may create or strengthen a splice site, but this prediction has not been confirmed by published transcriptional studies. Algorithms developed to predict the effect of missense changes on protein structure and function output the following: SIFT: "Tolerated"; PolyPhen-2: "Benign"; Align-GVGD: "Class C0". The serine amino acid residue is found in multiple mammalian species, suggesting that this missense change does not adversely affect protein function. These predictions have not been confirmed by published functional studies and their clinical significance is uncertain. This variant has not been reported in the literature in individuals with KCTD7-related conditions. This variant is present in population databases (rs762356641, ExAC 0.004%). This sequence change replaces asparagine with serine at codon 208 of the KCTD7 protein (p.Asn208Ser). The asparagine residue is highly conserved and there is a small physicochemical difference between asparagine and serine.